The following is an entry in ClinVar:

ClinVar aggregate classification (germline): Uncertain significance (1 of 4 stars; one submission).

Submission:

Women's Health and Genetics/Laboratory Corporation of America, LabCorp
Classification: Uncertain significance. Last evaluated: 2025-05-28. Review status: criteria provided, single submitter. Criteria: LabCorp Variant Classification Summary - May 2015. Collection method: clinical testing. Allele origin: germline.
Comment: Variant summary: LDLRAP1 c.-26_-21dupAGCGGC is located in the untranslated mRNA region upstream of the initiation codon. Consensus agreement among computation tools predict no significant impact on normal splicing. However, these predictions have yet to be confirmed by functional studies. The variant allele was found at a frequency of 4.5e-05 in 1203146 control chromosomes in the gnomAD database (v4.1 dataset). This frequency is not significantly higher than estimated for a pathogenic variant in LDLRAP1 causing Familial Hypercholesterolemia, allowing no conclusion about variant significance. To our knowledge, no occurrence of c.-26_-21dupAGCGGC in individuals affected with Familial Hypercholesterolemia and no experimental evidence demonstrating its impact on protein function have been reported. No submitters have cited clinical-significance assessments for this variant to ClinVar. Based on the evidence outlined above, the variant was classified as uncertain significance.

NM_015627.3(LDLRAP1):c.-26_-21dup

Genes: LDLRAP1 (low density lipoprotein receptor adaptor protein 1; plus strand), LOC129929773 (ATAC-STARR-seq lymphoblastoid silent region 456; plus strand). Cytogenetic location: 1p36.11.
Variant type: Duplication.
Coding change: c.-26_-21dup on transcript NM_015627.3 (MANE Select); 26 bases upstream of the start codon through 21 bases upstream of the start codon, 6 bases duplicated (AGCGGC; older notation c.-26_-21dupAGCGGC).
Molecular consequence: 5 prime UTR variant.
Genome position (GRCh38, 1-based): chr1:25,543,673-25,543,678, AGCGGC duplicated; duplicating any 6 consecutive bases within chr1:25,543,668-25,543,678 gives the same sequence; the c. name uses the placement nearest the transcript's 3' end. VCF-style (leftmost placement, unchanged base first): chr1-25543667-T-TGCGGCA. GRCh37 (hg19) VCF-style: chr1-25870158-T-TGCGGCA.
Other names: c.-26_-21dupAGCGGC (NM_015627.3).
Identifiers: ClinVar variation 3902641 (VCV003902641.1).